The following is an entry in ClinVar:

ClinVar aggregate classification (germline): Pathogenic (1 of 4 stars; one submission).

Conditions:
Glycogen storage disease, type V (GSD5). Also called: MCARDLE DISEASE; MUSCLE GLYCOGEN PHOSPHORYLASE DEFICIENCY; MYOPHOSPHORYLASE DEFICIENCY; PYGM DEFICIENCY; McArdle type glycogen storage disease. Identifiers: Orphanet 368, MedGen C0017924, MONDO:0009293, OMIM 232600.

Submission:

Myriad Genetics, Inc.
Classification: Pathogenic for Glycogen storage disease, type V. Last evaluated: 2024-05-14. Review status: criteria provided, single submitter. Criteria: Myriad Autosomal Dominant, Autosomal Recessive and X-Linked Classification Criteria (2023). Collection method: clinical testing. Allele origin: unknown.
Comment: NM_005609.2(PYGM):c.1760_1761delTGinsATCC(L587Hfs*19) is expected to be pathogenic in the context of glycogen storage disease, PYGM-related. This variant is predicted to lead to an abnormal or absent protein product due to the creation of a premature termination codon in PYGM, a gene where loss-of-function variants are known to be pathogenic. Please note: this variant was assessed in the context of healthy population screening.

NM_005609.4(PYGM):c.1760_1761delinsATCC (p.Leu587fs)

Gene: PYGM (glycogen phosphorylase, muscle associated; minus strand). Cytogenetic location: 11q13.1.
Variant type: Indel.
Coding change: c.1760_1761delinsATCC on transcript NM_005609.4 (MANE Select); coding-DNA positions 1760 to 1761, TG replaced by ATCC.
Protein change: p.Leu587fs; shifts the reading frame from leucine 587.
Molecular consequence: frameshift variant.
Genome position (GRCh38, 1-based): chr11:64,751,931-64,751,932, CA replaced by GGAT on the plus strand (TG replaced by ATCC on the coding strand, the reverse complement: PYGM is on the minus strand). VCF-style: chr11-64751931-CA-GGAT. GRCh37 (hg19) VCF-style: chr11-64519403-CA-GGAT.
Other names: c.1496_1497delinsATCC, p.Leu499fs (NM_001164716.1); short protein forms L499fs, L587fs.
Identifiers: ClinVar variation 5010751 (VCV005010751.1).
Genomic context (GRCh38, chr11:64,751,931, plus strand): 5'-CCGCAGGAACACGGGGGAGCACTGAGAGACAGGGTAGAGTGGCTGCCACTCACGGTTGTA[CA>GGAT]GGGTGATGACATGGAGGCAGTTGAGGAGCTGTCGTTTATATTCGTGAATCCGCTTCACCT-3'